The following is an entry in ClinVar:

ClinVar aggregate classification (germline): Uncertain significance (1 of 4 stars; one submission).

Conditions:
Cardiovascular phenotype. Identifiers: MedGen CN230736.

gnomAD v4.1: 1 of 1,613,880 alleles (0.000062%); highest among the groups gnomAD compares: Non-Finnish European, 0.000085%; no homozygotes.

Submission:

Ambry Genetics
Classification: Uncertain significance for Cardiovascular phenotype. Last evaluated: 2025-10-27. Review status: criteria provided, single submitter. Criteria: Ambry Variant Classification Scheme 2023. Collection method: clinical testing. Allele origin: germline.
Comment: The p.S114N variant (also known as c.341G>A), located in coding exon 2 of the SCN10A gene, results from a G to A substitution at nucleotide position 341. The serine at codon 114 is replaced by asparagine, an amino acid with highly similar properties. This amino acid position is conserved. In addition, the in silico prediction for this alteration is inconclusive. Based on the available evidence, the clinical significance of this variant remains unclear.

NM_006514.4(SCN10A):c.341G>A (p.Ser114Asn)

Gene: SCN10A (sodium voltage-gated channel alpha subunit 10; minus strand). Cytogenetic location: 3p22.2.
Variant type: single nucleotide variant.
Coding change: c.341G>A on transcript NM_006514.4 (MANE Select); coding-DNA position 341, G replaced by A.
Protein change: p.Ser114Asn; replaces serine 114 with asparagine.
Molecular consequence: missense variant.
Genome position (GRCh38, 1-based): chr3:38,792,098, C>T on the plus strand (G>A on the coding strand, the complement: SCN10A is on the minus strand). VCF-style: chr3-38792098-C-T. GRCh37 (hg19) VCF-style: chr3-38833589-C-T.
Other names: c.341G>A, p.Ser114Asn (NM_001293306.2, NM_001293307.2); short protein forms S114N.
Identifiers: ClinVar variation 4614884 (VCV004614884.1).